The following is an entry in ClinVar:

NM_001291415.2(KDM6A):c.2389G>A (p.Glu797Lys)

Gene: KDM6A (lysine demethylase 6A; plus strand). Cytogenetic location: Xp11.3.
Variant type: single nucleotide variant.
Coding change: c.2389G>A on transcript NM_001291415.2 (MANE Select); coding-DNA position 2389, G replaced by A.
Protein change: p.Glu797Lys; replaces glutamic acid 797 with lysine.
Molecular consequence: missense variant. On other transcripts: non-coding transcript variant (1).
Genome position (GRCh38, 1-based): chrX:45,069,888, G>A. VCF-style: chrX-45069888-G-A. GRCh37 (hg19) VCF-style: chrX-44929133-G-A.
Other names: c.2254G>A, p.Glu752Lys (NM_001291416.2, NM_001419811.1); c.2098G>A, p.Glu700Lys (NM_001291417.2); c.1996G>A, p.Glu666Lys (NM_001291418.2, NM_001419815.1); c.1345G>A, p.Glu449Lys (NM_001291421.2); c.2131G>A, p.Glu711Lys (NM_001410742.1, NM_001419814.1); c.2389G>A, p.Glu797Lys (NM_001419809.1); c.2287G>A, p.Glu763Lys (NM_001419810.1, NM_001419813.1); c.2233G>A, p.Glu745Lys (NM_001419812.1, NM_021140.4); short protein forms E666K, E700K, E711K, E745K, E449K, E763K, E797K, E752K.
Identifiers: ClinVar variation 3016693 (VCV003016693.3), dbSNP rs2044738301, ClinGen allele CA412793938.

ClinVar aggregate classification (germline): Uncertain significance (1 of 4 stars; one submission).

Conditions:
Kabuki syndrome 2 (KABUK2). Also called: KDM6A-Related Kabuki Syndrome. Identifiers: Orphanet 2322, MedGen C3275495, MONDO:0010465, OMIM 300867.

Allele frequency attached by ClinVar (database versions not stated): TOPMed below 0.00001; gnomAD exomes 0.00001.
gnomAD v4.1: 7 of 1,211,272 alleles (0.00058%); highest among the groups gnomAD compares: African/African-American, 0.0017%; no homozygotes.

Submission:

Labcorp Genetics (formerly Invitae), Labcorp
Classification: Uncertain significance for Kabuki syndrome 2. Last evaluated: 2025-05-10. Review status: criteria provided, single submitter. Criteria: Invitae Variant Classification Sherloc (09022015). Collection method: clinical testing. Allele origin: germline.
Comment: This sequence change replaces glutamic acid, which is acidic and polar, with lysine, which is basic and polar, at codon 745 of the KDM6A protein (p.Glu745Lys). This variant is not present in population databases (gnomAD no frequency). This variant has not been reported in the literature in individuals affected with KDM6A-related conditions. ClinVar contains an entry for this variant (Variation ID: 3016693). Invitae Evidence Modeling of protein sequence and biophysical properties (such as structural, functional, and spatial information, amino acid conservation, physicochemical variation, residue mobility, and thermodynamic stability) indicates that this missense variant is not expected to disrupt KDM6A protein function with a negative predictive value of 80%. In summary, the available evidence is currently insufficient to determine the role of this variant in disease. Therefore, it has been classified as a Variant of Uncertain Significance.